The following is an entry in ClinVar:

ClinVar aggregate classification (germline): Pathogenic. Review status: criteria provided, multiple submitters, no conflicts (2 of 4 stars). 4 submissions from 4 submitters: Pathogenic (2). 2 of the submissions do not count toward it. Last evaluated 2024-06-01.

Conditions:
Spastic paraplegia. Identifiers: MedGen C0037772, HP:0001258.
Hereditary spastic paraplegia 15 (SPG15). Also called: SPASTIC PARAPLEGIA 15, AUTOSOMAL RECESSIVE; KJELLIN SYNDROME; SPASTIC PARAPLEGIA AND RETINAL DEGENERATION. Identifiers: Orphanet 100996, MedGen C1849128, MONDO:0010044, OMIM 270700.

Allele frequency attached by ClinVar (database versions not stated): TOPMed below 0.00001.
gnomAD v4.1: 3 of 1,614,132 alleles (0.00019%); highest among the groups gnomAD compares: Non-Finnish European, 0.00025%; no homozygotes.

Submissions (4):

Fulgent Genetics
Classification: Pathogenic for Hereditary spastic paraplegia 15. Last evaluated: 2024-06-01. Review status: criteria provided, single submitter. Criteria: ACMG Guidelines, 2015. Collection method: clinical testing. Allele origin: germline.

Labcorp Genetics (formerly Invitae), Labcorp
Classification: Pathogenic for Spastic paraplegia. Last evaluated: 2023-05-30. Review status: criteria provided, single submitter. Criteria: Invitae Variant Classification Sherloc (09022015). Collection method: clinical testing. Allele origin: germline.
Comment: For these reasons, this variant has been classified as Pathogenic. ClinVar contains an entry for this variant (Variation ID: 458283). This premature translational stop signal has been observed in individual(s) with hereditary spastic paraplegias (PMID: 24833714, 27217339). This variant is not present in population databases (gnomAD no frequency). This sequence change creates a premature translational stop signal (p.Arg1378*) in the ZFYVE26 gene. It is expected to result in an absent or disrupted protein product. Loss-of-function variants in ZFYVE26 are known to be pathogenic (PMID: 18394578, 19805727).

Counsyl
Classification: Pathogenic for Hereditary spastic paraplegia 15. Last evaluated: 2017-12-22. Review status: no assertion criteria provided. Collection method: clinical testing. Allele origin: unknown. Not counted in ClinVar's aggregate classification.

Genomics England Pilot Project, Genomics England
Classification: Likely pathogenic for Hereditary spastic paraplegia 15. Review status: no assertion criteria provided. Criteria: ACGS Guidelines, 2016. Collection method: clinical testing. Allele origin: germline. Affected: yes. Not counted in ClinVar's aggregate classification.

Literature cited by the submitters: PubMed 24833714 (cited by Labcorp Genetics (formerly Invitae), Labcorp and Counsyl); PubMed 27217339 (cited by Labcorp Genetics (formerly Invitae), Labcorp and Counsyl); PubMed 18394578 (cited by Labcorp Genetics (formerly Invitae), Labcorp); PubMed 19805727 (cited by Labcorp Genetics (formerly Invitae), Labcorp).

NM_015346.4(ZFYVE26):c.4132C>T (p.Arg1378Ter)

Gene: ZFYVE26 (zinc finger FYVE-type containing 26; minus strand). Cytogenetic location: 14q24.1.
Variant type: single nucleotide variant.
Coding change: c.4132C>T on transcript NM_015346.4 (MANE Select); coding-DNA position 4132, C replaced by T.
Protein change: p.Arg1378Ter; replaces arginine 1378 with a stop codon.
Molecular consequence: nonsense.
Genome position (GRCh38, 1-based): chr14:67,783,020, G>A on the plus strand (C>T on the coding strand, the complement: ZFYVE26 is on the minus strand). VCF-style: chr14-67783020-G-A. GRCh37 (hg19) VCF-style: chr14-68249737-G-A.
Other names: short protein forms R1378*.
Identifiers: ClinVar variation 458283 (VCV000458283.13), dbSNP rs774809466, ClinGen allele CA390170778.